The following is an entry in ClinVar:

NM_001195263.2(PDZD7):c.1982_1984del (p.Arg661del)

Gene: PDZD7 (PDZ domain containing 7; minus strand). Cytogenetic location: 10q24.31.
Variant type: Deletion.
Coding change: c.1982_1984del on transcript NM_001195263.2 (MANE Select); coding-DNA positions 1982 to 1984, 3 bases deleted (GTC; older notation c.1982_1984delGTC).
Protein change: p.Arg661del; deletes arginine 661.
Molecular consequence: inframe deletion.
Genome position (GRCh38, 1-based): chr10:101,011,711-101,011,713, GAC deleted on the plus strand (GTC on the coding strand, the reverse complement: PDZD7 is on the minus strand); deleting any 3 consecutive bases within chr10:101,011,711-101,011,714 gives the same sequence; the c. name uses the placement nearest the transcript's 3' end. VCF-style (leftmost placement, unchanged base first): chr10-101011710-TGAC-T. GRCh37 (hg19) VCF-style: chr10-102771467-TGAC-T.
Other names: short protein forms R661del.
Identifiers: ClinVar variation 2972456 (VCV002972456.3), dbSNP rs2492789833, ClinGen allele CA2574457272.
Genomic context (GRCh38, chr10:101,011,710, plus strand): 5'-AGGGCTGTGCCCCTCCCTGGGCTCTGGGACTCTGACTGACCAGGCACGGGGGTGATAAGG[TGAC>T]GCTTGGGTGGCGTGTCCTGCCGGGCTGGTCTCAAAGCAGGAGGCCGGACTGGTTGGAGAG-3'

ClinVar aggregate classification (germline): Uncertain significance (1 of 4 stars; one submission).

Submission:

Labcorp Genetics (formerly Invitae), Labcorp
Classification: Uncertain significance. Last evaluated: 2023-02-10. Review status: criteria provided, single submitter. Criteria: Invitae Variant Classification Sherloc (09022015). Collection method: clinical testing. Allele origin: germline.
Comment: This variant, c.1982_1984del, results in the deletion of 1 amino acid(s) of the PDZD7 protein (p.Arg661del), but otherwise preserves the integrity of the reading frame. In summary, the available evidence is currently insufficient to determine the role of this variant in disease. Therefore, it has been classified as a Variant of Uncertain Significance. Experimental studies and prediction algorithms are not available or were not evaluated, and the functional significance of this variant is currently unknown. This variant has not been reported in the literature in individuals affected with PDZD7-related conditions. This variant is not present in population databases (gnomAD no frequency).